The following is an entry in ClinVar:

ClinVar aggregate classification (germline): Likely pathogenic. Review status: criteria provided, single submitter (1 of 4 stars). 2 submissions from 2 submitters: Likely pathogenic (1). 1 of the submissions does not count toward it. Last evaluated 2018-04-16.

Conditions:
Extraoral halitosis due to methanethiol oxidase deficiency. Also called: METHANETHIOL OXIDASE DEFICIENCY; MTO DEFICIENCY; EXTRAORAL HALITOSIS WITH DIMETHYLSULFOXIDURIA. Identifiers: Orphanet 562538, MedGen C4748387, MONDO:0029144, OMIM 618148.
Extra oral halitosis.

Allele frequency attached by ClinVar (database versions not stated): TOPMed 0.00001.

Submissions (2):

SIB Swiss Institute of Bioinformatics
Classification: Likely pathogenic for Extra oral halitosis. Last evaluated: 2018-04-16. Review status: criteria provided, single submitter. Criteria: ACMG Guidelines, 2015. Collection method: curation. Allele origin: germline.
Comment: This variant is interpreted as a Likely Pathogenic, for Extraoral halitosis, Autosomal Recessive inheritance. The following ACMG Tag(s) were applied: PM2 => Absent from controls (or at extremely low frequency if recessive) in Exome Sequencing Project, 1000 Genomes Project, or Exome Aggregation Consortium. PS3 => Well-established functional studies show a deleterious effect (PMID:29255262). PP1 => Cosegregation with disease in multiple affected family members in a gene definitively known to cause the disease.

OMIM
Classification: Pathogenic for EXTRAORAL HALITOSIS DUE TO METHANETHIOL OXIDASE DEFICIENCY. Last evaluated: 2018-10-12. Review status: no assertion criteria provided. Collection method: literature only. Allele origin: germline. Not counted in ClinVar's aggregate classification.

Literature cited by the submitters: PubMed 29255262 (cited by SIB Swiss Institute of Bioinformatics and OMIM); Hamosh, A. Personal Communication. 2018. Baltimore, Md. (cited by OMIM).

NM_003944.4(SELENBP1):c.1039G>T (p.Gly347Ter)

Gene: SELENBP1 (selenium binding protein 1; minus strand). Cytogenetic location: 1q21.3.
Variant type: single nucleotide variant.
Coding change: c.1039G>T on transcript NM_003944.4 (MANE Select); coding-DNA position 1039, G replaced by T.
Protein change: p.Gly347Ter; replaces glycine 347 with a stop codon.
Molecular consequence: nonsense.
Genome position (GRCh38, 1-based): chr1:151,365,568, C>A on the plus strand (G>T on the coding strand, the complement: SELENBP1 is on the minus strand). VCF-style: chr1-151365568-C-A. GRCh37 (hg19) VCF-style: chr1-151338044-C-A.
Other names: NM_001258288.1:c.853G>T(p.Gly285Ter); NM_001258289.1:c.1165G>T(p.Gly389Ter); NM_003944.3:c.1039G>T(p.Gly347Ter); c.853G>T, p.Gly285Ter (NM_001258288.2); c.1165G>T, p.Gly389Ter (NM_001258289.2); short protein forms G285*, G347*, G389*.
Identifiers: ClinVar variation 549495 (VCV000549495.1), dbSNP rs1553204817, ClinGen allele CA341956916.